The following is an entry in ClinVar:

NM_144670.6(A2ML1):c.2379C>G (p.Asp793Glu)

Gene: A2ML1 (alpha-2-macroglobulin like 1; plus strand). Cytogenetic location: 12p13.31.
Variant type: single nucleotide variant.
Coding change: c.2379C>G on transcript NM_144670.6 (MANE Select); coding-DNA position 2379, C replaced by G.
Protein change: p.Asp793Glu; replaces aspartic acid 793 with glutamic acid.
Molecular consequence: missense variant.
Genome position (GRCh38, 1-based): chr12:8,851,928, C>G. VCF-style: chr12-8851928-C-G. GRCh37 (hg19) VCF-style: chr12-9004524-C-G.
Other names: c.906C>G, p.Asp302Glu (NM_001282424.3); short protein forms D793E, D302E.
Identifiers: ClinVar variation 241892 (VCV000241892.13), dbSNP rs754179635, ClinGen allele CA6436001.
Genomic context (GRCh38, chr12:8,851,928, plus strand): 5'-AAGAGGCTTCGGGCTTTCACCCACTGTTGGACTAACTGCTTTCAAGCCGTTCTTTGTTGA[C>G]CTGACTCTCCCTTACTCAGTAGTCCGTGGGGAATCCTTTCGTCTTACTGCCACCATCTTC-3'
Protein context (NP_653271.3, residues 783-803): GLTAFKPFFV[Asp793Glu]LTLPYSVVRG

ClinVar aggregate classification (germline): Uncertain significance. Review status: criteria provided, multiple submitters, no conflicts (2 of 4 stars). 2 submissions from 2 submitters: Uncertain significance (2). Last evaluated 2024-05-17.

Allele frequency attached by ClinVar (database versions not stated): ExAC 0.00002; gnomAD exomes 0.00002; gnomAD 0.00003; TOPMed 0.00003.
gnomAD v4.1: 23 of 1,614,072 alleles (0.0014%); highest among the groups gnomAD compares: Non-Finnish European, 0.0018%; no homozygotes.

Submissions (2):

Ambry Genetics
Classification: Uncertain significance. Last evaluated: 2024-05-17. Review status: criteria provided, single submitter. Criteria: Ambry Variant Classification Scheme 2023. Collection method: clinical testing. Allele origin: germline.
Comment: The p.D793E variant (also known as c.2379C>G), located in coding exon 19 of the A2ML1 gene, results from a C to G substitution at nucleotide position 2379. The aspartic acid at codon 793 is replaced by glutamic acid, an amino acid with highly similar properties. This amino acid position is conserved. In addition, this alteration is predicted to be tolerated by in silico analysis. Since supporting evidence is limited at this time, the clinical significance of this alteration remains unclear.

Labcorp Genetics (formerly Invitae), Labcorp
Classification: Uncertain significance. Last evaluated: 2016-02-25. Review status: criteria provided, single submitter. Criteria: Invitae Variant Classification Sherloc (09022015). Collection method: clinical testing. Allele origin: germline.
Comment: In summary, this variant is a rare missense change that is not predicted to affect protein function. There is no indication that it causes disease, but the available evidence is currently insufficient to prove that conclusively. Therefore, it has been classified as a Variant of Uncertain Significance. Algorithms developed to predict the effect of missense changes on protein structure and function (SIFT, PolyPhen-2, Align-GVGD) all suggest that this variant is likely to be tolerated, but these predictions have not been confirmed by published functional studies. This variant is present in population databases (rs754179635, ExAC <0.01%) but has not been reported in the literature in individuals with a A2ML1-related disease. This sequence change replaces aspartic acid with glutamic acid at codon 793 of the A2ML1 protein (p.Asp793Glu). The aspartic acid residue is moderately conserved and there is a small physicochemical difference between aspartic acid and glutamic acid.